The following is an entry in ClinVar:

NM_000062.3(SERPING1):c.1394C>T (p.Ala465Val)

Gene: SERPING1 (serpin family G member 1; plus strand). Cytogenetic location: 11q12.1.
Variant type: single nucleotide variant.
Coding change: c.1394C>T on transcript NM_000062.3 (MANE Select); coding-DNA position 1394, C replaced by T.
Protein change: p.Ala465Val; replaces alanine 465 with valine.
Molecular consequence: missense variant.
Genome position (GRCh38, 1-based): chr11:57,614,472, C>T. VCF-style: chr11-57614472-C-T. GRCh37 (hg19) VCF-style: chr11-57381945-C-T.
Other names: SERPING1, ALA443VAL; c.1394C>T, p.Ala465Val (NM_001032295.2); short protein forms A465V.
Identifiers: ClinVar variation 3955 (VCV000003955.4), dbSNP rs121907950, ClinGen allele CA116530.
Genomic context (GRCh38, chr11:57,614,472, plus strand): 5'-CAGTGCTGGAACTGACAGAGACTGGGGTGGAGGCGGCTGCAGCCTCCGCCATCTCTGTGG[C>T]CCGCACCCTGCTGGTCTTTGAAGTGCAGCAGCCCTTCCTCTTCGTGCTCTGGGACCAGCA-3'
Protein context (NP_000053.2, residues 455-475): EAAAASAISV[Ala465Val]RTLLVFEVQQ

ClinVar aggregate classification (germline): Uncertain significance. Review status: criteria provided, single submitter (1 of 4 stars). 2 submissions from 2 submitters: Uncertain significance (1). 1 of the submissions does not count toward it. Last evaluated 2023-05-15.

Conditions:
Complement component 4, partial deficiency of, due to dysfunctional c1 inhibitor. Identifiers: MedGen C4016986.

gnomAD v4.1: 2 of 1,614,084 alleles (0.00012%); highest among the groups gnomAD compares: Non-Finnish European, 0.000085%; no homozygotes.

Submissions (2):

Labcorp Genetics (formerly Invitae), Labcorp
Classification: Uncertain significance. Last evaluated: 2023-05-15. Review status: criteria provided, single submitter. Criteria: Invitae Variant Classification Sherloc (09022015). Collection method: clinical testing. Allele origin: germline.
Comment: This variant is not present in population databases (gnomAD no frequency). In summary, the available evidence is currently insufficient to determine the role of this variant in disease. Therefore, it has been classified as a Variant of Uncertain Significance. Experimental studies have shown that this missense change affects SERPING1 function (PMID: 7883978). Advanced modeling of protein sequence and biophysical properties (such as structural, functional, and spatial information, amino acid conservation, physicochemical variation, residue mobility, and thermodynamic stability) has been performed at Invitae for this missense variant, however the output from this modeling did not meet the statistical confidence thresholds required to predict the impact of this variant on SERPING1 protein function. ClinVar contains an entry for this variant (Variation ID: 3955). This variant is also known as p.Ala443Val. This missense change has been observed in individual(s) with incomplete C4 deficiency (PMID: 6480834, 7883978). This sequence change replaces alanine, which is neutral and non-polar, with valine, which is neutral and non-polar, at codon 465 of the SERPING1 protein (p.Ala465Val).

OMIM
Classification: Pathogenic for COMPLEMENT COMPONENT 4, PARTIAL DEFICIENCY OF, DUE TO DYSFUNCTIONAL C1 INHIBITOR. Last evaluated: 1995-03-01. Review status: no assertion criteria provided. Collection method: literature only. Allele origin: germline. Not counted in ClinVar's aggregate classification.

Literature cited by the submitters: PubMed 7883978 (cited by Labcorp Genetics (formerly Invitae), Labcorp and OMIM); PubMed 6480834 (cited by Labcorp Genetics (formerly Invitae), Labcorp).